The following is an entry in ClinVar:

ClinVar aggregate classification (germline): Uncertain significance (1 of 4 stars; one submission).

Conditions:
Severe combined immunodeficiency due to DCLRE1C deficiency (RS-SCID). Also called: SCID, AUTOSOMAL RECESSIVE, T CELL-NEGATIVE, B CELL-NEGATIVE, NK CELL-POSITIVE, WITH SENSITIVITY TO IONIZING RADIATION. Identifiers: Orphanet 275, MedGen C1865371, MONDO:0011225, OMIM 602450.

Allele frequency attached by ClinVar (database versions not stated): gnomAD exomes 0.00001.

Submission:

Labcorp Genetics (formerly Invitae), Labcorp
Classification: Uncertain significance for Athabaskan severe combined immunodeficiency. Last evaluated: 2026-01-17. Review status: criteria provided, single submitter. Criteria: Invitae Variant Classification Sherloc (09022015). Collection method: clinical testing. Allele origin: germline.
Comment: This sequence change replaces threonine, which is neutral and polar, with lysine, which is basic and polar, at codon 511 of the DCLRE1C protein (p.Thr511Lys). This variant is not present in population databases (gnomAD no frequency). This variant has not been reported in the literature in individuals affected with DCLRE1C-related conditions. ClinVar contains an entry for this variant (Variation ID: 856330). An algorithm developed to predict the effect of missense changes on protein structure and function (PolyPhen-2) suggests that this variant is likely to be tolerated. In summary, the available evidence is currently insufficient to determine the role of this variant in disease. Therefore, it has been classified as a Variant of Uncertain Significance.

NM_001033855.3(DCLRE1C):c.1532C>A (p.Thr511Lys)

Gene: DCLRE1C (DNA cross-link repair 1C; minus strand). Cytogenetic location: 10p13.
Variant type: single nucleotide variant.
Coding change: c.1532C>A on transcript NM_001033855.3 (MANE Select); coding-DNA position 1532, C replaced by A.
Protein change: p.Thr511Lys; replaces threonine 511 with lysine.
Molecular consequence: missense variant. On other transcripts: non-coding transcript variant (4).
Genome position (GRCh38, 1-based): chr10:14,908,955, G>T on the plus strand (C>A on the coding strand, the complement: DCLRE1C is on the minus strand). VCF-style: chr10-14908955-G-T. GRCh37 (hg19) VCF-style: chr10-14950954-G-T.
Other names: c.1172C>A, p.Thr391Lys (NM_001033857.3, NM_001033858.3, NM_001289077.2 and 2 more transcripts); c.1187C>A, p.Thr396Lys (NM_001289076.2, NM_001289078.2, NM_001350966.2 and 1 more transcripts); c.1532C>A, p.Thr511Lys (NM_001350965.2); short protein forms T396K, T511K, T391K.
Identifiers: ClinVar variation 856330 (VCV000856330.5), dbSNP rs1834786005, ClinGen allele CA376075378.